The following is an entry in ClinVar:

NM_000052.7(ATP7A):c.1711A>T (p.Arg571Trp)

Gene: ATP7A (ATPase copper transporting alpha; plus strand). Cytogenetic location: Xq21.1.
Variant type: single nucleotide variant.
Coding change: c.1711A>T on transcript NM_000052.7 (MANE Select); coding-DNA position 1711, A replaced by T.
Protein change: p.Arg571Trp; replaces arginine 571 with tryptophan.
Molecular consequence: missense variant.
Genome position (GRCh38, 1-based): chrX:78,009,105, A>T. VCF-style: chrX-78009105-A-T. GRCh37 (hg19) VCF-style: chrX-77264602-A-T.
Other names: c.1711A>T, p.Arg571Trp (NM_001282224.2); short protein forms R571W.
Identifiers: ClinVar variation 4539967 (VCV004539967.1).

ClinVar aggregate classification (germline): Uncertain significance (1 of 4 stars; one submission).

gnomAD v4.1: 1 of 1,209,163 alleles (0.000083%); highest among the groups gnomAD compares: Non-Finnish European, 0.00011%; no homozygotes.

Submission:

GeneDx
Classification: Uncertain significance. Last evaluated: 2025-06-26. Review status: criteria provided, single submitter. Criteria: GeneDx Variant Classification Process June 2021. Collection method: clinical testing. Allele origin: germline. Affected: yes.
Comment: Not observed at significant frequency in large population cohorts (gnomAD); In silico analysis supports that this missense variant has a deleterious effect on protein structure/function; Has not been previously published as pathogenic or benign to our knowledge